The following is an entry in ClinVar:

ClinVar aggregate classification (germline): Uncertain significance. Review status: criteria provided, multiple submitters, no conflicts (2 of 4 stars). 2 submissions from 2 submitters: Uncertain significance (2). Last evaluated 2026-02-19.

Conditions:
Hereditary cancer-predisposing syndrome. Also called: Neoplastic Syndromes, Hereditary; Tumor predisposition; Hereditary Cancer Syndrome; Hereditary neoplastic syndrome. Identifiers: Orphanet 140162, MedGen C0027672, MeSH D009386, MONDO:0015356.
Oligodontia-cancer predisposition syndrome. Also called: TOOTH AGENESIS-COLORECTAL CANCER SYNDROME. Identifiers: Orphanet 300576, MedGen C1837750, MONDO:0012075, OMIM 608615. Disease mechanism: loss of function.

Allele frequency attached by ClinVar (database versions not stated): TOPMed below 0.00001.

Submissions (2):

Ambry Genetics
Classification: Uncertain significance for Hereditary cancer-predisposing syndrome. Last evaluated: 2026-02-19. Review status: criteria provided, single submitter. Criteria: Ambry Variant Classification Scheme 2023. Collection method: clinical testing. Allele origin: germline.
Comment: The p.C814S variant (also known as c.2441G>C), located in coding exon 10 of the AXIN2 gene, results from a G to C substitution at nucleotide position 2441. The cysteine at codon 814 is replaced by serine, an amino acid with dissimilar properties. This amino acid position is highly conserved in available vertebrate species. In addition, this alteration is predicted to be deleterious by in silico analysis. Based on the available evidence, the clinical significance of this variant remains unclear.

Labcorp Genetics (formerly Invitae), Labcorp
Classification: Uncertain significance for Oligodontia-cancer predisposition syndrome. Last evaluated: 2025-04-24. Review status: criteria provided, single submitter. Criteria: Invitae Variant Classification Sherloc (09022015). Collection method: clinical testing. Allele origin: germline.
Comment: This sequence change replaces cysteine, which is neutral and slightly polar, with serine, which is neutral and polar, at codon 814 of the AXIN2 protein (p.Cys814Ser). This variant is not present in population databases (gnomAD no frequency). This variant has not been reported in the literature in individuals affected with AXIN2-related conditions. ClinVar contains an entry for this variant (Variation ID: 1494998). Invitae Evidence Modeling of protein sequence and biophysical properties (such as structural, functional, and spatial information, amino acid conservation, physicochemical variation, residue mobility, and thermodynamic stability) indicates that this missense variant is not expected to disrupt AXIN2 protein function with a negative predictive value of 80%. In summary, the available evidence is currently insufficient to determine the role of this variant in disease. Therefore, it has been classified as a Variant of Uncertain Significance.

NM_004655.4(AXIN2):c.2441G>C (p.Cys814Ser)

Gene: AXIN2 (axin 2; minus strand). Cytogenetic location: 17q24.1.
Variant type: single nucleotide variant.
Coding change: c.2441G>C on transcript NM_004655.4 (MANE Select); coding-DNA position 2441, G replaced by C.
Protein change: p.Cys814Ser; replaces cysteine 814 with serine.
Molecular consequence: missense variant.
Genome position (GRCh38, 1-based): chr17:65,530,067, C>G on the plus strand (G>C on the coding strand, the complement: AXIN2 is on the minus strand). VCF-style: chr17-65530067-C-G. GRCh37 (hg19) VCF-style: chr17-63526185-C-G.
Other names: c.2246G>C, p.Cys749Ser (NM_001363813.1); c.2441G>C (NM_004655.3); short protein forms C749S, C814S.
Identifiers: ClinVar variation 1494998 (VCV001494998.7), dbSNP rs1060502127, ClinGen allele CA400674906.